The following is an entry in ClinVar:

NM_001302371.3(NBPF10):c.9262G>T (p.Glu3088Ter)

Gene: NBPF10 (NBPF member 10; minus strand). Cytogenetic location: 1q21.1.
Variant type: single nucleotide variant.
Coding change: c.9262G>T on transcript NM_001302371.3 (MANE Select); coding-DNA position 9262, G replaced by T.
Protein change: p.Glu3088Ter; replaces glutamic acid 3088 with a stop codon.
Molecular consequence: nonsense.
Genome position (GRCh38, 1-based): chr1:146,079,091, C>A on the plus strand (G>T on the coding strand, the complement: NBPF10 is on the minus strand). VCF-style: chr1-146079091-C-A. GRCh37 (hg19) VCF-style: chr1-145359103-G-T.
Other names: c.9262G>T, p.Glu3088Ter (NM_001039703.6); short protein forms E3088*.
Identifiers: ClinVar variation 2639100 (VCV002639100.24), dbSNP rs587768370, ClinGen allele CA1052692.

ClinVar aggregate classification (germline): Likely benign (1 of 4 stars; one submission).

Allele frequency attached by ClinVar (database versions not stated): 1000 Genomes Project 0.00160.

Submission:

CeGaT Center for Human Genetics Tuebingen
Classification: Likely benign. Last evaluated: 2022-12-01. Review status: criteria provided, single submitter. Criteria: CeGaT Center For Human Genetics Tuebingen Variant Classification Criteria Version 2. Collection method: clinical testing. Allele origin: germline. Affected: yes. Observed: 1 variant allele.
Comment: NBPF10: BS2